The following is an entry in ClinVar:

ClinVar aggregate classification (germline): Uncertain significance (1 of 4 stars; one submission).

Conditions:
Inborn genetic diseases. Identifiers: MedGen C0950123, MeSH D030342.

Allele frequency attached by ClinVar (database versions not stated): gnomAD exomes below 0.00001.
gnomAD v4.1: 2 of 1,613,910 alleles (0.00012%); highest among the groups gnomAD compares: Non-Finnish European, 0.00017%; no homozygotes.

Submission:

Ambry Genetics
Classification: Uncertain significance for Inborn genetic diseases. Last evaluated: 2023-12-14. Review status: criteria provided, single submitter. Criteria: Ambry Variant Classification Scheme 2023. Collection method: clinical testing. Allele origin: germline.
Comment: The p.R1814I variant (also known as c.5441G>T), located in coding exon 32 of the ATR gene, results from a G to T substitution at nucleotide position 5441. The arginine at codon 1814 is replaced by isoleucine, an amino acid with similar properties. This amino acid position is conserved. In addition, this alteration is predicted to be tolerated by in silico analysis. Since supporting evidence is limited at this time, the clinical significance of this alteration remains unclear.

NM_001184.4(ATR):c.5441G>T (p.Arg1814Ile)

Gene: ATR (ATR checkpoint kinase; minus strand). Cytogenetic location: 3q23.
Variant type: single nucleotide variant.
Coding change: c.5441G>T on transcript NM_001184.4 (MANE Select); coding-DNA position 5441, G replaced by T.
Protein change: p.Arg1814Ile; replaces arginine 1814 with isoleucine.
Molecular consequence: missense variant.
Genome position (GRCh38, 1-based): chr3:142,498,714, C>A on the plus strand (G>T on the coding strand, the complement: ATR is on the minus strand). VCF-style: chr3-142498714-C-A. GRCh37 (hg19) VCF-style: chr3-142217556-C-A.
Other names: c.5249G>T, p.Arg1750Ile (NM_001354579.2); short protein forms R1750I, R1814I.
Identifiers: ClinVar variation 1747558 (VCV001747558.2), dbSNP rs2108341441, ClinGen allele CA354816045.